The following is an entry in ClinVar:

ClinVar aggregate classification (germline): Conflicting classifications of pathogenicity. Review status: criteria provided, conflicting classifications (1 of 4 stars). 10 submissions from 10 submitters: Uncertain significance (7); Likely benign (2). 1 of the submissions does not count toward it. Last evaluated 2026-02-02.

Conditions:
Hereditary cancer. Identifiers: MedGen C1333600.
Classic or attenuated familial adenomatous polyposis. Identifiers: MedGen CN372698, MONDO:0021057.
Hereditary cancer-predisposing syndrome. Also called: Neoplastic Syndromes, Hereditary; Hereditary Cancer Syndrome; Tumor predisposition; Hereditary neoplastic syndrome. Identifiers: Orphanet 140162, MedGen C0027672, MeSH D009386, MONDO:0015356.
Familial adenomatous polyposis 1 (FAP1). Also called: POLYPOSIS, ADENOMATOUS INTESTINAL; FAMILIAL ADENOMATOUS POLYPOSIS 1, ATTENUATED. Identifiers: MedGen C2713442, MONDO:0021056, OMIM 175100. Disease mechanism: loss of function.

Allele frequency attached by ClinVar (database versions not stated): gnomAD 0.00001 and 0.00003; gnomAD exomes 0.00001 and 0.00002; ExAC 0.00002; TOPMed 0.00003; ESP Exome Variant Server 0.00008.
gnomAD v4.1: 23 of 1,614,060 alleles (0.0014%); highest among the groups gnomAD compares: South Asian, 0.0022%; no homozygotes.

Submissions (10):

Labcorp Genetics (formerly Invitae), Labcorp
Classification: Uncertain significance for Familial adenomatous polyposis 1. Last evaluated: 2026-02-02. Review status: criteria provided, single submitter. Criteria: Invitae Variant Classification Sherloc (09022015). Collection method: clinical testing. Allele origin: germline.
Comment: This sequence change replaces arginine, which is basic and polar, with glycine, which is neutral and non-polar, at codon 1069 of the APC protein (p.Arg1069Gly). This variant is present in population databases (rs375408871, gnomAD 0.004%). This missense change has been observed in individual(s) with breast cancer or colon cancer (PMID: 34545850, 35534704). ClinVar contains an entry for this variant (Variation ID: 142240). Invitae Evidence Modeling of protein sequence and biophysical properties (such as structural, functional, and spatial information, amino acid conservation, physicochemical variation, residue mobility, and thermodynamic stability) indicates that this missense variant is not expected to disrupt APC protein function with a negative predictive value of 95%. In summary, the available evidence is currently insufficient to determine the role of this variant in disease. Therefore, it has been classified as a Variant of Uncertain Significance.

Blueprint Genetics
Classification: Uncertain significance. Last evaluated: 2024-11-04. Review status: criteria provided, single submitter. Criteria: ACMG Guidelines, 2015. Collection method: clinical testing. Allele origin: germline.

All of Us Research Program, National Institutes of Health
Classification: Uncertain significance for Classic or attenuated familial adenomatous polyposis. Last evaluated: 2024-09-23. Review status: criteria provided, single submitter. Criteria: ACMG Guidelines, 2015. Collection method: clinical testing. Allele origin: germline. Inheritance: Autosomal dominant inheritance. Observed: 8 variant alleles, 8 heterozygotes.
Comment: This missense variant replaces arginine with glycine at codon 1069 of the APC protein. Computational prediction is inconclusive regarding the impact of this variant on protein structure and function (internally defined REVEL score threshold 0.5 < inconclusive < 0.7, PMID: 27666373). To our knowledge, functional studies have not been reported for this variant. This variant has been reported in individuals affected with colorectal cancer (PMID: 34545850). This variant has been identified in 6/281850 chromosomes in the general population by the Genome Aggregation Database (gnomAD). The available evidence is insufficient to determine the role of this variant in disease conclusively. Therefore, this variant is classified as a Variant of Uncertain Significance.

This study involves interpretation of variants in research participants for the purpose of population health screening. Participant phenotype was not available at the time of variant classification. Additional details can be found in publication PMID: 35346344, PMCID: PMC8962531

Mendelics
Classification: Likely benign for Hereditary cancer. Last evaluated: 2024-09-11. Review status: criteria provided, single submitter. Criteria: ACMG Guidelines, 2015. Collection method: clinical testing. Allele origin: unknown.
Comment: This variant is considered likely benign or benign based on one or more of the following: it is predicted to be benign by multiple in silico algorithms, and/or has population frequency not consistent with disease, and/or has normal protein function, and/or has lack of segregation with disease, and/or has been detected in co-occurrence with known pathogenic variant, and/or has lack of disease association in case-control studies, and/or is located in a region inconsistent with a known cause of pathogenicity.

Quest Diagnostics Nichols Institute San Juan Capistrano
Classification: Uncertain significance. Last evaluated: 2024-09-04. Review status: criteria provided, single submitter. Criteria: Quest Diagnostics criteria. Collection method: clinical testing. Allele origin: unknown.
Comment: The APC c.3205A>G (p.Arg1069Gly) variant has been reported in the published literature in individuals with colorectal cancer (PMID: 34545850 (2021)). The frequency of this variant in the general population, 0.000031 (4/128378 chromosomes (Genome Aggregation Database)), is uninformative in the assessment of its pathogenicity. Analysis of this variant using bioinformatics tools for the prediction of the effect of amino acid changes on protein structure and function yielded conflicting predictions that this variant is benign or damaging. Based on the available information, we are unable to determine the clinical significance of this variant.

Baylor Genetics
Classification: Uncertain significance for Familial adenomatous polyposis 1. Last evaluated: 2024-01-20. Review status: criteria provided, single submitter. Criteria: ACMG Guidelines, 2015. Collection method: clinical testing. Allele origin: unknown.

Ambry Genetics
Classification: Likely benign for Hereditary cancer-predisposing syndrome. Last evaluated: 2023-12-07. Review status: criteria provided, single submitter. Criteria: Ambry Variant Classification Scheme 2023. Collection method: clinical testing. Allele origin: germline.

Color Diagnostics, LLC DBA Color Health
Classification: Uncertain significance for Hereditary cancer-predisposing syndrome. Last evaluated: 2023-11-15. Review status: criteria provided, single submitter. Criteria: ACMG Guidelines, 2015. Collection method: clinical testing. Allele origin: germline.
Comment: This missense variant replaces arginine with glycine at codon 1069 of the APC protein. Computational prediction is inconclusive regarding the impact of this variant on protein structure and function (internally defined REVEL score threshold 0.5 < inconclusive < 0.7, PMID: 27666373). To our knowledge, functional studies have not been reported for this variant. This variant has been reported in individuals affected with colorectal cancer (PMID: 34545850). This variant has been identified in 6/281850 chromosomes in the general population by the Genome Aggregation Database (gnomAD). The available evidence is insufficient to determine the role of this variant in disease conclusively. Therefore, this variant is classified as a Variant of Uncertain Significance.

GeneDx
Classification: Uncertain significance. Last evaluated: 2022-12-28. Review status: criteria provided, single submitter. Criteria: GeneDx Variant Classification Process June 2021. Collection method: clinical testing. Allele origin: germline. Affected: yes.
Comment: Not observed at significant frequency in large population cohorts (gnomAD); In silico analysis supports that this missense variant does not alter protein structure/function; Observed in individuals with a personal and/or family history of colorectal cancer (Karlitz et al., 2021); This variant is associated with the following publications: (PMID: 18199528, 34545850)

Department of Pathology and Laboratory Medicine, Sinai Health System
Classification: Uncertain significance for Familial adenomatous polyposis 1. Review status: no assertion criteria provided. Collection method: clinical testing. Allele origin: unknown. Affected: yes. Observed: 1 variant allele. Study: The Canadian Open Genetics Repository (COGR). Not counted in ClinVar's aggregate classification.
Comment: The p.Arg1069Gly variant was identified in dbSNP (ID: rs375408871) and the ClinVar database (submitted by Ambry Genetics with â€šÃ„Ãºuncertainâ€šÃ„Ã¹ clinical significance). The variant was identified in the Exome Variant Server Exome Sequencing Project in 1 of 8600 European American chromosomes, and in the Exome Aggregation Consortium (ExAC) database in 3 of 66320 chromosomes from a population of European (non-Finnish) individuals; this low frequency is not substantive enough to comment on the variantâ€šÃ„Ã´s relationship to disease. The variant was not identified in the literature, nor was it identified in any other database searches (UMD, HGMD, COSMIC, InSiGHT Colon Cancer gene variant database, Zhejiang Colon Cancer Database). The p.Arg1069 residue is conserved across mammals and other organisms, and computational analyses (PolyPhen-2, SIFT, AlignGVGD, BLOSUM, MutationTaster) suggest that the Gly variant may impact the protein; however, this information is not predictive enough to assume pathogenicity. The variant occurs outside of the splicing consensus sequence. One of five in silico splicing prediction software programs (SpliceSiteFinder, MaxEntScan, NNSPLICE, GeneSplicer, HumanSpliceFinder) predicts a potential creation of a 3â€šÃ„Ã´ splice site; however, this information is not very predictive of pathogenicity. In summary, based on the above information, the clinical significance of this variant cannot be determined with certainty at this time. This variant is classified as a variant of unknown significance.

Literature cited by the submitters: PubMed 34545850 (cited by 5 submitters); PubMed 35534704 (cited by Labcorp Genetics (formerly Invitae), Labcorp); PubMed 7306523 (cited by Ambry Genetics).

NM_000038.6(APC):c.3205A>G (p.Arg1069Gly)

Gene: APC (APC regulator of Wnt signaling pathway; plus strand). Cytogenetic location: 5q22.2.
Variant type: single nucleotide variant.
Coding change: c.3205A>G on transcript NM_000038.6 (MANE Select); coding-DNA position 3205, A replaced by G.
Protein change: p.Arg1069Gly; replaces arginine 1069 with glycine.
Molecular consequence: missense variant.
Genome position (GRCh38, 1-based): chr5:112,838,799, A>G. VCF-style: chr5-112838799-A-G. GRCh37 (hg19) VCF-style: chr5-112174496-A-G.
Other names: c.3205A>G, p.Arg1069Gly (NM_001127510.3, NM_001354895.2); c.3151A>G, p.Arg1051Gly (NM_001127511.3); c.3259A>G, p.Arg1087Gly (NM_001354896.2); c.3235A>G, p.Arg1079Gly (NM_001354897.2); c.3130A>G, p.Arg1044Gly (NM_001354898.2); c.3121A>G, p.Arg1041Gly (NM_001354899.2); c.3082A>G, p.Arg1028Gly (NM_001354900.2); c.3028A>G, p.Arg1010Gly (NM_001354901.2); and 5 more; short protein forms R1051G, R1069G, R1010G, R1028G, R1041G, R909G, R978G, R1044G.
Identifiers: ClinVar variation 142240 (VCV000142240.34), dbSNP rs375408871, ClinGen allele CA008168.
Genomic context (GRCh38, chr5:112,838,799, plus strand): 5'-TGGGCAAGACCCAAACACATAATAGAAGATGAAATAAAACAAAGTGAGCAAAGACAATCA[A>G]GGAATCAAAGTACAACTTATCCTGTTTATACTGAGAGCACTGATGATAAACACCTCAAGT-3'
Protein context (NP_000029.2, residues 1059-1079): EIKQSEQRQS[Arg1069Gly]NQSTTYPVYT